The following is an entry in ClinVar:

NM_031844.3(HNRNPU):c.264AGAGGA[1] (p.Glu93_Glu94del)

Gene: HNRNPU (heterogeneous nuclear ribonucleoprotein U; minus strand). Cytogenetic location: 1q44.
Variant type: Microsatellite.
Coding change: c.264AGAGGA[1] on transcript NM_031844.3 (MANE Select); one copy of the 6-base unit AGAGGA starting at c.264; the reference has two copies in a row; one copy, 6 bases deleted; also written c.270_275del.
Protein change: p.Glu93_Glu94del.
Molecular consequence: inframe deletion.
Genome position (GRCh38, 1-based): chr1:244,864,033-244,864,038, TCCTCT deleted on the plus strand (AGAGGA on the coding strand, the reverse complement: HNRNPU is on the minus strand); deleting any 6 consecutive bases within chr1:244,864,033-244,864,049 gives the same sequence; the position shown is the placement nearest the transcript's 3' end. VCF-style (leftmost placement, unchanged base first): chr1-244864032-CTCCTCT-C. GRCh37 (hg19) VCF-style: chr1-245027334-CTCCTCT-C.
Other names: c.270_275del (NM_031844.2); c.270_275del6 (NM_031844.2); c.264AGAGGA[1], p.Glu93_Glu94del (NM_004501.3).
Identifiers: ClinVar variation 582192 (VCV000582192.26), dbSNP rs770670938, ClinGen allele CA1486832.

ClinVar aggregate classification (germline): Likely benign. Review status: criteria provided, multiple submitters, no conflicts (2 of 4 stars). 6 submissions from 6 submitters: Likely benign (5). 1 of the submissions does not count toward it. Last evaluated 2026-01-09.

Conditions:
HNRNPU-related disorder. Also called: HNRNPU-related condition.
Developmental and epileptic encephalopathy, 54. Also called: Epileptic encephalopathy, early infantile, 54; HNRNPU-Related Neurodevelopmental Disorder. Identifiers: MedGen C4479319, MONDO:0033363, OMIM 617391.
Inborn genetic diseases. Identifiers: MedGen C0950123, MeSH D030342.

Submissions (6):

Labcorp Genetics (formerly Invitae), Labcorp
Classification: Likely benign for Developmental and epileptic encephalopathy, 54. Last evaluated: 2026-01-09. Review status: criteria provided, single submitter. Criteria: Invitae Variant Classification Sherloc (09022015). Collection method: clinical testing. Allele origin: germline.

Ambry Genetics
Classification: Likely benign for Inborn genetic diseases. Last evaluated: 2025-04-14. Review status: criteria provided, single submitter. Criteria: Ambry Variant Classification Scheme 2023. Collection method: clinical testing. Allele origin: germline.

CeGaT Center for Human Genetics Tuebingen
Classification: Likely benign. Last evaluated: 2025-04-01. Review status: criteria provided, single submitter. Criteria: CeGaT Center For Human Genetics Tuebingen Variant Classification Criteria Version 2. Collection method: clinical testing. Allele origin: germline. Affected: yes. Observed: 1 variant allele.
Comment: HNRNPU: PM4, BS2

Blueprint Genetics
Classification: Likely benign. Last evaluated: 2024-11-25. Review status: criteria provided, single submitter. Criteria: ACMG Guidelines, 2015. Collection method: clinical testing. Allele origin: germline.

GeneDx
Classification: Likely benign. Last evaluated: 2022-11-19. Review status: criteria provided, single submitter. Criteria: GeneDx Variant Classification Process June 2021. Collection method: clinical testing. Allele origin: germline. Affected: yes.
Comment: See Variant Classification Assertion Criteria.

PreventionGenetics, part of Exact Sciences
Classification: Likely benign for HNRNPU-related condition. Last evaluated: 2020-12-03. Review status: no assertion criteria provided. Collection method: clinical testing. Allele origin: germline. Not counted in ClinVar's aggregate classification.
Comment: This variant is classified as likely benign based on ACMG/AMP sequence variant interpretation guidelines (Richards et al. 2015 PMID: 25741868, with internal and published modifications).